The following is an entry in ClinVar:

NM_152703.5(SAMD9L):c.2815G>A (p.Val939Ile)

Gene: SAMD9L (sterile alpha motif domain containing 9 like; minus strand). Cytogenetic location: 7q21.2.
Variant type: single nucleotide variant.
Coding change: c.2815G>A on transcript NM_152703.5 (MANE Select); coding-DNA position 2815, G replaced by A.
Protein change: p.Val939Ile; replaces valine 939 with isoleucine.
Molecular consequence: missense variant.
Genome position (GRCh38, 1-based): chr7:93,133,157, C>T on the plus strand (G>A on the coding strand, the complement: SAMD9L is on the minus strand). VCF-style: chr7-93133157-C-T. GRCh37 (hg19) VCF-style: chr7-92762470-C-T.
Other names: c.2815G>A, p.Val939Ile (NM_001303496.3, NM_001303497.3, NM_001303498.3 and 5 more transcripts); short protein forms V939I.
Identifiers: ClinVar variation 4745993 (VCV004745993.1).

ClinVar aggregate classification (germline): Uncertain significance (1 of 4 stars; one submission).

Submission:

Labcorp Genetics (formerly Invitae), Labcorp
Classification: Uncertain significance. Last evaluated: 2025-09-22. Review status: criteria provided, single submitter. Criteria: Invitae Variant Classification Sherloc (09022015). Collection method: clinical testing. Allele origin: germline.
Comment: This sequence change replaces valine, which is neutral and non-polar, with isoleucine, which is neutral and non-polar, at codon 939 of the SAMD9L protein (p.Val939Ile). This variant is not present in population databases (gnomAD no frequency). This variant has not been reported in the literature in individuals affected with SAMD9L-related conditions. Invitae Evidence Modeling of protein sequence and biophysical properties (such as structural, functional, and spatial information, amino acid conservation, physicochemical variation, residue mobility, and thermodynamic stability) indicates that this missense variant is not expected to disrupt SAMD9L protein function with a negative predictive value of 80%. In summary, the available evidence is currently insufficient to determine the role of this variant in disease. Therefore, it has been classified as a Variant of Uncertain Significance.